The following is an entry in ClinVar:

ClinVar aggregate classification (germline): Likely benign. Review status: criteria provided, multiple submitters, no conflicts (2 of 4 stars). 5 submissions from 5 submitters: Likely benign (4). 1 of the submissions does not count toward it. Last evaluated 2026-06-01.

Conditions:
LIPE-related disorder. Also called: LIPE-related condition.

Allele frequency attached by ClinVar (database versions not stated): 1000 Genomes Project 30x 0.00016; ESP Exome Variant Server 0.00018; gnomAD 0.00073 and 0.00075; gnomAD exomes 0.00073 and 0.00092; TOPMed 0.00074; ExAC 0.00117.
gnomAD v4.1: 1,332 of 1,504,350 alleles (0.089%); highest among the groups gnomAD compares: Admixed American, 0.14%; 1 homozygote.

Submissions (5):

CeGaT Center for Human Genetics Tuebingen
Classification: Likely benign. Last evaluated: 2026-06-01. Review status: criteria provided, single submitter. Criteria: CeGaT Center For Human Genetics Tuebingen Variant Classification Criteria Version 2. Collection method: clinical testing. Allele origin: germline. Affected: yes. Observed: 2 variant alleles.
Comment: LIPE: BP4, BP7

Blueprint Genetics
Classification: Likely benign. Last evaluated: 2024-10-23. Review status: criteria provided, single submitter. Criteria: ACMG Guidelines, 2015. Collection method: clinical testing. Allele origin: germline.

Genetic Services Laboratory, University of Chicago
Classification: Likely benign. Last evaluated: 2016-06-02. Review status: criteria provided, single submitter. Criteria: ACMG Guidelines, 2015. Collection method: clinical testing. Allele origin: germline. Affected: no.

Breakthrough Genomics
Classification: Likely benign. Review status: criteria provided, single submitter. Criteria: ACMG Guidelines, 2015. Collection method: not provided. Allele origin: germline. Inheritance: Autosomal recessive inheritance. Affected: yes.

PreventionGenetics, part of Exact Sciences
Classification: Likely benign for LIPE-related condition. Last evaluated: 2019-08-26. Review status: no assertion criteria provided. Collection method: clinical testing. Allele origin: germline. Not counted in ClinVar's aggregate classification.
Comment: This variant is classified as likely benign based on ACMG/AMP sequence variant interpretation guidelines (Richards et al. 2015 PMID: 25741868, with internal and published modifications).

NM_005357.4(LIPE):c.2985C>T (p.Pro995=)

Genes: LIPE (lipase E, hormone sensitive type; minus strand), LIPE-AS1 (LIPE antisense RNA 1; plus strand), LOC101930071 (uncharacterized LOC101930071; plus strand). Cytogenetic location: 19q13.2.
Variant type: single nucleotide variant.
Coding change: c.2985C>T on transcript NM_005357.4 (MANE Select); coding-DNA position 2985, C replaced by T.
Protein change: p.Pro995=; no amino-acid change (proline 995 retained).
Molecular consequence: synonymous variant.
Genome position (GRCh38, 1-based): chr19:42,402,058, G>A on the plus strand (C>T on the coding strand, the complement: LIPE is on the minus strand). VCF-style: chr19-42402058-G-A. GRCh37 (hg19) VCF-style: chr19-42906210-G-A.
Other names: c.2985C>T (NM_005357.3).
Identifiers: ClinVar variation 435763 (VCV000435763.33), dbSNP rs370837760, ClinGen allele CA9476585.